The following is an entry in ClinVar:

NM_006280.3(SSR4):c.332C>T (p.Ser111Phe)

Gene: SSR4 (signal sequence receptor subunit 4; plus strand). Cytogenetic location: Xq28.
Variant type: single nucleotide variant.
Coding change: c.332C>T on transcript NM_006280.3 (MANE Select); coding-DNA position 332, C replaced by T.
Protein change: p.Ser111Phe; replaces serine 111 with phenylalanine.
Molecular consequence: missense variant.
Genome position (GRCh38, 1-based): chrX:153,797,795, C>T. VCF-style: chrX-153797795-C-T. GRCh37 (hg19) VCF-style: chrX-153063250-C-T.
Other names: c.365C>T, p.Ser122Phe (NM_001204526.2); c.356C>T, p.Ser119Phe (NM_001204527.2); short protein forms S111F, S119F, S122F.
Identifiers: ClinVar variation 3343638 (VCV003343638.1).

ClinVar aggregate classification (germline): Uncertain significance (1 of 4 stars; one submission).

Submission:

GeneDx
Classification: Uncertain significance. Last evaluated: 2023-05-23. Review status: criteria provided, single submitter. Criteria: GeneDx Variant Classification Process June 2021. Collection method: clinical testing. Allele origin: germline. Affected: yes.
Comment: Not observed at significant frequency in large population cohorts (gnomAD); In silico analysis supports that this missense variant has a deleterious effect on protein structure/function; Has not been previously published as pathogenic or benign to our knowledge